The following is an entry in ClinVar:

ClinVar aggregate classification (germline): Uncertain significance (1 of 4 stars; one submission).

Submission:

Women's Health and Genetics/Laboratory Corporation of America, LabCorp
Classification: Uncertain significance. Last evaluated: 2024-09-30. Review status: criteria provided, single submitter. Criteria: LabCorp Variant Classification Summary - May 2015. Collection method: clinical testing. Allele origin: germline.
Comment: Variant summary: NEXMIF c.-9G>T is located in the untranslated mRNA region upstream of the initiation codon. The frequency of this variant in the general population could not be determined as the technology used for large population databases (ExAC, gnomAD, ESP, 1000G) cannot detect variants of this type. The available data on variant occurrences in the general population are insufficient to allow any conclusion about variant significance. To our knowledge, no occurrence of c.-9G>T in individuals affected with Intellectual Developmental Disorder, X-Linked 98 and no experimental evidence demonstrating its impact on protein function have been reported. No submitters have cited clinical-significance assessments for this variant to ClinVar. Based on the evidence outlined above, the variant was classified as uncertain significance.

NM_001008537.3(NEXMIF):c.-9G>T

Gene: NEXMIF (neurite extension and migration factor; minus strand). Cytogenetic location: Xq13.3.
Variant type: single nucleotide variant.
Coding change: c.-9G>T on transcript NM_001008537.3 (MANE Select); 9 bases upstream of the start codon, G replaced by T.
Molecular consequence: 5 prime UTR variant.
Genome position (GRCh38, 1-based): chrX:74,745,659, C>A on the plus strand (G>T on the coding strand, the complement: NEXMIF is on the minus strand). VCF-style: chrX-74745659-C-A. GRCh37 (hg19) VCF-style: chrX-73965494-C-A.
Identifiers: ClinVar variation 3375035 (VCV003375035.1).
Genomic context (GRCh38, chrX:74,745,659, plus strand): 5'-TGTTTTCTCCGTTGGCTGAGGCAACAATAGCCTTATCTTGTTGGTTATCCATGAATATAA[C>A]CTCTTATTGTTTCATTCCAAGTCCAAATGCTGTCCAACCTGCACATTTCAAATATATAAT-3'